The following is an entry in ClinVar:

ClinVar aggregate classification (germline): Conflicting classifications of pathogenicity. Review status: criteria provided, conflicting classifications (1 of 4 stars). 5 submissions from 5 submitters: Uncertain significance (4); Likely benign (1). Last evaluated 2025-07-29.

Conditions:
Hereditary nonpolyposis colorectal neoplasms. Identifiers: MedGen C0009405, MeSH D003123.
Hereditary cancer-predisposing syndrome. Also called: Hereditary neoplastic syndrome; Tumor predisposition; Neoplastic Syndromes, Hereditary; Hereditary Cancer Syndrome. Identifiers: Orphanet 140162, MedGen C0027672, MeSH D009386, MONDO:0015356.

Allele frequency attached by ClinVar (database versions not stated): gnomAD exomes below 0.00001.

Submissions (5):

Color Diagnostics, LLC DBA Color Health
Classification: Uncertain significance for Hereditary cancer-predisposing syndrome. Last evaluated: 2025-07-29. Review status: criteria provided, single submitter. Criteria: ACMG Guidelines, 2015. Collection method: clinical testing. Allele origin: germline.
Comment: This missense variant replaces aspartic acid with tyrosine at codon 649 of the MSH6 protein. Computational prediction suggests that this variant may not impact protein structure and function. To our knowledge, functional studies have not been reported for this variant. This variant has not been reported in individuals affected with MSH6-related disorders in the literature. This variant has been identified in 1/251198 chromosomes in the general population by the Genome Aggregation Database (gnomAD). The available evidence is insufficient to determine the role of this variant in disease conclusively. Therefore, this variant is classified as a Variant of Uncertain Significance.

Labcorp Genetics (formerly Invitae), Labcorp
Classification: Likely benign for Hereditary nonpolyposis colorectal neoplasms. Last evaluated: 2024-09-28. Review status: criteria provided, single submitter. Criteria: Invitae Variant Classification Sherloc (09022015). Collection method: clinical testing. Allele origin: germline.

Ambry Genetics
Classification: Uncertain significance for Hereditary cancer-predisposing syndrome. Last evaluated: 2024-06-06. Review status: criteria provided, single submitter. Criteria: Ambry Variant Classification Scheme 2023. Collection method: clinical testing. Allele origin: germline.
Comment: The p.D649Y variant (also known as c.1945G>T), located in coding exon 4 of the MSH6 gene, results from a G to T substitution at nucleotide position 1945. The aspartic acid at codon 649 is replaced by tyrosine, an amino acid with highly dissimilar properties. This amino acid position is poorly conserved in available vertebrate species. In addition, this alteration is predicted to be tolerated by in silico analysis. Based on the available evidence, the clinical significance of this variant remains unclear.

Women's Health and Genetics/Laboratory Corporation of America, LabCorp
Classification: Uncertain significance. Last evaluated: 2019-05-06. Review status: criteria provided, single submitter. Criteria: LabCorp Variant Classification Summary - May 2015. Collection method: clinical testing. Allele origin: germline.
Comment: Variant summary: MSH6 c.1945G>T (p.Asp649Tyr) results in a non-conservative amino acid change located in the DNA mismatch repair protein MutS, connector domain (IPR007860) of the encoded protein sequence. Three of five in-silico tools predict a benign effect of the variant on protein function. The variant allele was found at a frequency of 4e-06 in 251198 control chromosomes (gnomAD). The available data on variant occurrences in the general population are insufficient to allow any conclusion about variant significance. To our knowledge, no occurrence of c.1945G>T in individuals affected with Lynch Syndrome and no experimental evidence demonstrating its impact on protein function have been reported. Three ClinVar submitters (evaluation after 2014) cite the variant as uncertain significance. Based on the evidence outlined above, the variant was classified as uncertain significance.

GeneDx
Classification: Uncertain significance. Last evaluated: 2017-06-29. Review status: criteria provided, single submitter. Criteria: GeneDx Variant Classification (06012015). Collection method: clinical testing. Allele origin: germline. Affected: yes.
Comment: This variant is denoted MSH6 c.1945G>T at the cDNA level, p.Asp649Tyr (D649Y) at the protein level, and results in the change of an Aspartic Acid to a Tyrosine (GAT>TAT). This variant has not, to our knowledge, been published in the literature as pathogenic or benign. MSH6 Asp649Tyr was not observed in large population cohorts (NHLBI Exome Sequencing Project, The 1000 Genomes Consortium 2015, Lek 2016). Since Aspartic Acid and Tyrosine differ in polarity, charge, size or other properties, this is considered a non-conservative amino acid substitution. MSH6 Asp649Tyr occurs at a position that is not conserved and is located within the Connector domain (Warren 2007, Kansikas 2011). In silico analyses are inconsistent regarding the effect this variant may have on protein structure and function. Based on currently available evidence, it is unclear whether MSH6 Asp649Tyr is a pathogenic or benign variant. We consider it to be a variant of uncertain significance.

NM_000179.3(MSH6):c.1945G>T (p.Asp649Tyr)

Gene: MSH6 (mutS homolog 6; plus strand). Cytogenetic location: 2p16.3.
Variant type: single nucleotide variant.
Coding change: c.1945G>T on transcript NM_000179.3 (MANE Select); coding-DNA position 1945, G replaced by T.
Protein change: p.Asp649Tyr; replaces aspartic acid 649 with tyrosine.
Molecular consequence: missense variant.
Genome position (GRCh38, 1-based): chr2:47,799,928, G>T. VCF-style: chr2-47799928-G-T. GRCh37 (hg19) VCF-style: chr2-48027067-G-T.
Other names: c.1555G>T, p.Asp519Tyr (NM_001281492.2); c.1039G>T, p.Asp347Tyr (NM_001281493.2, NM_001281494.2); short protein forms D649Y, D519Y, D347Y.
Identifiers: ClinVar variation 418325 (VCV000418325.17), dbSNP rs1064793188, ClinGen allele CA16617662.